The following is an entry in ClinVar:

ClinVar aggregate classification (germline): Uncertain significance. Review status: criteria provided, multiple submitters, no conflicts (2 of 4 stars). 2 submissions from 2 submitters: Uncertain significance (2). Last evaluated 2024-09-26.

Conditions:
BCOR-related disorder. Also called: BCOR-related disorders; BCOR-related condition.
Oculofaciocardiodental syndrome (MCOPS2). Identifiers: Orphanet 2712, MedGen C1846265, MONDO:0010261, OMIM 300166.

Allele frequency attached by ClinVar (database versions not stated): gnomAD 0.00001; gnomAD exomes 0.00001; TOPMed 0.00001.
gnomAD v4.1: 6 of 1,210,494 alleles (0.0005%); highest among the groups gnomAD compares: Middle Eastern, 0.023%; no homozygotes.

Submissions (2):

Labcorp Genetics (formerly Invitae), Labcorp
Classification: Uncertain significance for Oculofaciocardiodental syndrome. Last evaluated: 2024-09-26. Review status: criteria provided, single submitter. Criteria: Invitae Variant Classification Sherloc (09022015). Collection method: clinical testing. Allele origin: germline.
Comment: This sequence change replaces isoleucine, which is neutral and non-polar, with leucine, which is neutral and non-polar, at codon 730 of the BCOR protein (p.Ile730Leu). This variant is present in population databases (no rsID available, gnomAD 0.01%). This variant has not been reported in the literature in individuals affected with BCOR-related conditions. ClinVar contains an entry for this variant (Variation ID: 2635354). An algorithm developed to predict the effect of missense changes on protein structure and function outputs the following: PolyPhen-2: "Benign". The leucine amino acid residue is found in multiple mammalian species, which suggests that this missense change does not adversely affect protein function. In summary, the available evidence is currently insufficient to determine the role of this variant in disease. Therefore, it has been classified as a Variant of Uncertain Significance.

PreventionGenetics, part of Exact Sciences
Classification: Uncertain significance for BCOR-related condition. Last evaluated: 2023-01-06. Review status: criteria provided, single submitter. Criteria: ACMG Guidelines, 2015. Collection method: clinical testing. Allele origin: germline.
Comment: The BCOR c.2188A>T variant is predicted to result in the amino acid substitution p.Ile730Leu. This variant is reported in 0.014% of alleles in individuals of Latino descent in gnomAD, including 1 hemizygote. Although we suspect that this variant may be benign, at this time, the clinical significance of this variant is uncertain due to the absence of conclusive functional and genetic evidence.

NM_001123385.2(BCOR):c.2188A>T (p.Ile730Leu)

Gene: BCOR (BCL6 corepressor; minus strand). Cytogenetic location: Xp11.4.
Variant type: single nucleotide variant.
Coding change: c.2188A>T on transcript NM_001123385.2 (MANE Select); coding-DNA position 2188, A replaced by T.
Protein change: p.Ile730Leu; replaces isoleucine 730 with leucine.
Molecular consequence: missense variant.
Genome position (GRCh38, 1-based): chrX:40,073,158, T>A on the plus strand (A>T on the coding strand, the complement: BCOR is on the minus strand). VCF-style: chrX-40073158-T-A. GRCh37 (hg19) VCF-style: chrX-39932411-T-A.
Other names: c.2188A>T, p.Ile730Leu (NM_001123383.2, NM_001123384.2, NM_017745.6); short protein forms I730L.
Identifiers: ClinVar variation 2635354 (VCV002635354.3), dbSNP rs1241396523, ClinGen allele CA412743520.
Genomic context (GRCh38, chrX:40,073,158, plus strand): 5'-GGGACCGGGATCTCCTCTCTGGTTTCTCCTCTTTAGTAATCTCTATGGGCGTGTGTGGTA[T>A]CAACATGGGATGCACCATGCCCAACCCCAGGGCATCTTGGTAGGTCACAAACTCTGGACG-3'
Protein context (NP_001116857.1, residues 720-740): LGLGMVHPML[Ile730Leu]PHTPIEITKE